The following is an entry in ClinVar:

ClinVar aggregate classification (germline): Uncertain significance (1 of 4 stars; one submission).

Conditions:
Combined immunodeficiency due to STK4 deficiency (IMD110). Also called: T-cell immunodeficiency, recurrent infections, and autoimmunity with or without cardiac malformations; STK4 DEFICIENCY; MST1 DEFICIENCY. Identifiers: Orphanet 314689, MedGen C3553943, MONDO:0013934, OMIM 614868.

Allele frequency attached by ClinVar (database versions not stated): ExAC 0.00002; gnomAD 0.00002 and 0.00001; gnomAD exomes 0.00002 and 0.00001; TOPMed 0.00003.
gnomAD v4.1: 25 of 1,613,866 alleles (0.0015%); highest among the groups gnomAD compares: East Asian, 0.042%; no homozygotes.

Submission:

Labcorp Genetics (formerly Invitae), Labcorp
Classification: Uncertain significance for Combined immunodeficiency due to STK4 deficiency. Last evaluated: 2022-07-05. Review status: criteria provided, single submitter. Criteria: Invitae Variant Classification Sherloc (09022015). Collection method: clinical testing. Allele origin: germline.
Comment: ClinVar contains an entry for this variant (Variation ID: 1487729). This variant has not been reported in the literature in individuals affected with STK4-related conditions. This variant is present in population databases (rs749201774, gnomAD 0.02%). This sequence change replaces arginine, which is basic and polar, with glutamine, which is neutral and polar, at codon 291 of the STK4 protein (p.Arg291Gln). In summary, the available evidence is currently insufficient to determine the role of this variant in disease. Therefore, it has been classified as a Variant of Uncertain Significance. Advanced modeling of protein sequence and biophysical properties (such as structural, functional, and spatial information, amino acid conservation, physicochemical variation, residue mobility, and thermodynamic stability) performed at Invitae indicates that this missense variant is not expected to disrupt STK4 protein function.

NM_006282.5(STK4):c.872G>A (p.Arg291Gln)

Gene: STK4 (serine/threonine kinase 4; plus strand). Cytogenetic location: 20q13.12.
Variant type: single nucleotide variant.
Coding change: c.872G>A on transcript NM_006282.5 (MANE Select); coding-DNA position 872, G replaced by A.
Protein change: p.Arg291Gln; replaces arginine 291 with glutamine.
Molecular consequence: missense variant.
Genome position (GRCh38, 1-based): chr20:45,000,432, G>A. VCF-style: chr20-45000432-G-A. GRCh37 (hg19) VCF-style: chr20-43629073-G-A.
Other names: c.872G>A, p.Arg291Gln (NM_001352385.2); short protein forms R291Q.
Identifiers: ClinVar variation 1487729 (VCV001487729.8), dbSNP rs749201774, ClinGen allele CA9873919.